The following is an entry in ClinVar:

ClinVar aggregate classification (germline): Uncertain significance (1 of 4 stars; one submission).

gnomAD v4.1: 11 of 1,609,288 alleles (0.00068%); highest among the groups gnomAD compares: Admixed American, 0.0017%; no homozygotes.

Submission:

Labcorp Genetics (formerly Invitae), Labcorp
Classification: Uncertain significance. Last evaluated: 2025-09-12. Review status: criteria provided, single submitter. Criteria: Invitae Variant Classification Sherloc (09022015). Collection method: clinical testing. Allele origin: germline.
Comment: This sequence change replaces threonine, which is neutral and polar, with alanine, which is neutral and non-polar, at codon 406 of the SLC44A4 protein (p.Thr406Ala). This variant is present in population databases (rs781594628, gnomAD 0.0009%). This variant has not been reported in the literature in individuals affected with SLC44A4-related conditions. An algorithm developed to predict the effect of missense changes on protein structure and function outputs the following: PolyPhen-2: "Benign". The alanine amino acid residue is found in multiple mammalian species, which suggests that this missense change does not adversely affect protein function. In summary, the available evidence is currently insufficient to determine the role of this variant in disease. Therefore, it has been classified as a Variant of Uncertain Significance.

NM_025257.3(SLC44A4):c.1216A>G (p.Thr406Ala)

Gene: SLC44A4 (solute carrier family 44 member 4; minus strand). Cytogenetic location: 6p21.33.
Variant type: single nucleotide variant.
Coding change: c.1216A>G on transcript NM_025257.3 (MANE Select); coding-DNA position 1216, A replaced by G.
Protein change: p.Thr406Ala; replaces threonine 406 with alanine.
Molecular consequence: missense variant.
Genome position (GRCh38, 1-based): chr6:31,869,172, T>C on the plus strand (A>G on the coding strand, the complement: SLC44A4 is on the minus strand). VCF-style: chr6-31869172-T-C. GRCh37 (hg19) VCF-style: chr6-31836949-T-C.
Other names: c.1090A>G, p.Thr364Ala (NM_001178044.2); c.988A>G, p.Thr330Ala (NM_001178045.2); short protein forms T330A, T364A, T406A.
Identifiers: ClinVar variation 4707024 (VCV004707024.1).
Genomic context (GRCh38, chr6:31,869,172, plus strand): 5'-CACCCCTACTAGTCCCGCCTCCATGTCCCCTGCTTCCTCTTACCGTGGGGTTGCATGATG[T>C]ATTTATTGGCACTTTCTCACAGCCGGGGGAGCTGATGTTGGATGCCCAGAGCACATACTG-3'
Protein context (NP_079533.2, residues 396-416): SPGCEKVPIN[Thr406Ala]SCNPTAHLVN